The following is an entry in ClinVar:

NM_153676.4(USH1C):c.497-2A>G

Gene: USH1C (USH1 protein network component harmonin; minus strand). Cytogenetic location: 11p15.1.
Variant type: single nucleotide variant.
Coding change: c.497-2A>G on transcript NM_153676.4 (MANE Select); the canonical splice acceptor site of the intron before coding-DNA position 497, A replaced by G.
Molecular consequence: splice acceptor variant.
Genome position (GRCh38, 1-based): chr11:17,527,042, T>C on the plus strand (A>G on the coding strand, the complement: USH1C is on the minus strand). VCF-style: chr11-17527042-T-C. GRCh37 (hg19) VCF-style: chr11-17548589-T-C.
Other names: c.497-2A>G (NM_001297764.2, NM_005709.4).
Identifiers: ClinVar variation 3601017 (VCV003601017.1).

ClinVar aggregate classification (germline): Likely pathogenic (1 of 4 stars; one submission).

Conditions:
Autosomal recessive nonsyndromic hearing loss 18A. Also called: DEAFNESS, AUTOSOMAL RECESSIVE 18; Deafness, autosomal recessive 18A. Identifiers: Orphanet 90636, MedGen C1865870, MONDO:0011192, OMIM 602092.

gnomAD v4.1: 1 of 1,555,516 alleles (0.000064%); highest among the groups gnomAD compares: East Asian, 0.0024%; no homozygotes.

Submission:

Institute of Rare Diseases, West China Hospital, Sichuan University
Classification: Likely pathogenic for Autosomal recessive nonsyndromic hearing loss 18A. Last evaluated: 2025-01-09. Review status: criteria provided, single submitter. Criteria: ClinGen HL ACMG Specifications v1. Collection method: research. Allele origin: germline. Affected: yes.
Comment: PVS1;PM2_Supporting